The following is an entry in ClinVar:

NM_014915.3(ANKRD26):c.2104C>A (p.His702Asn)

Gene: ANKRD26 (ankyrin repeat domain containing 26; minus strand). Cytogenetic location: 10p12.1.
Variant type: single nucleotide variant.
Coding change: c.2104C>A on transcript NM_014915.3 (MANE Select); coding-DNA position 2104, C replaced by A.
Protein change: p.His702Asn; replaces histidine 702 with asparagine.
Molecular consequence: missense variant.
Genome position (GRCh38, 1-based): chr10:27,043,483, G>T on the plus strand (C>A on the coding strand, the complement: ANKRD26 is on the minus strand). VCF-style: chr10-27043483-G-T. GRCh37 (hg19) VCF-style: chr10-27332412-G-T.
Other names: c.2101C>A, p.His701Asn (NM_001256053.2); short protein forms H701N, H702N.
Identifiers: ClinVar variation 3871742 (VCV003871742.1).
Genomic context (GRCh38, chr10:27,043,483, plus strand): 5'-TACCTTTACACTCCATTCCAAGTTGTTCAATGAGCAACATAAAATTCTTGTAACTAGAGT[G>T]GGGTAGCTCACAATCCTCTGAGGCTGTTTCAGATGACTGAGTTAAGTCATCAACATCATC-3'
Protein context (NP_055730.2, residues 692-712): ETASEDCELP[His702Asn]SSYKNFMLLI

ClinVar aggregate classification (germline): Uncertain significance (1 of 4 stars; one submission).

Conditions:
Inborn genetic diseases. Identifiers: MedGen C0950123, MeSH D030342.

Submission:

Ambry Genetics
Classification: Uncertain significance for Inborn genetic diseases. Last evaluated: 2025-02-25. Review status: criteria provided, single submitter. Criteria: Ambry Variant Classification Scheme 2023. Collection method: clinical testing. Allele origin: germline.
Comment: The p.H702N variant (also known as c.2104C>A), located in coding exon 20 of the ANKRD26 gene, results from a C to A substitution at nucleotide position 2104. The histidine at codon 702 is replaced by asparagine, an amino acid with similar properties. This amino acid position is conserved. In addition, this alteration is predicted to be tolerated by in silico analysis. Based on the available evidence, the clinical significance of this variant remains unclear.